The following is an entry in ClinVar:

NM_014908.4(DOLK):c.3G>A (p.Met1Ile)

Gene: DOLK (dolichol kinase; minus strand). Cytogenetic location: 9q34.11.
Variant type: single nucleotide variant.
Coding change: c.3G>A on transcript NM_014908.4 (MANE Select); coding-DNA position 3, G replaced by A.
Protein change: p.Met1Ile; changes the start codon (methionine 1).
Molecular consequence: missense variant, initiator codon variant.
Genome position (GRCh38, 1-based): chr9:128,947,301, C>T on the plus strand (G>A on the coding strand, the complement: DOLK is on the minus strand). VCF-style: chr9-128947301-C-T. GRCh37 (hg19) VCF-style: chr9-131709580-C-T.
Other names: short protein forms M1I.
Identifiers: ClinVar variation 30852 (VCV000030852.6), dbSNP rs1564546510, ClinGen allele CA375129172.

ClinVar aggregate classification (germline): Pathogenic/Likely pathogenic. Review status: criteria provided, multiple submitters, no conflicts (2 of 4 stars). 3 submissions from 3 submitters: Pathogenic (1); Likely pathogenic (1). 1 of the submissions does not count toward it. Last evaluated 2023-12-03.

Conditions:
DOLK-related disorders.
DK1-congenital disorder of glycosylation. Also called: CDG Im; DK1 DEFICIENCY; DOLICHOL KINASE DEFICIENCY; DOLK-congenital disorder of glycosylation; Carbohydrate deficient glycoprotein syndrome type 1m; CONGENITAL DISORDER OF GLYCOSYLATION, TYPE Im. Identifiers: Orphanet 91131, MedGen C1835849, MONDO:0012556, OMIM 610768.

Submissions (3):

Labcorp Genetics (formerly Invitae), Labcorp
Classification: Pathogenic for DK1-congenital disorder of glycosylation. Last evaluated: 2023-12-03. Review status: criteria provided, single submitter. Criteria: Invitae Variant Classification Sherloc (09022015). Collection method: clinical testing. Allele origin: germline.
Comment: This sequence change affects the initiator methionine of the DOLK mRNA. The next in-frame methionine is located at codon 75. This variant is not present in population databases (gnomAD no frequency). Disruption of the initiator codon has been observed in individual(s) with congenital disorder of glycosylation type 1m (PMID: 22242004, 23890587, 35279850). ClinVar contains an entry for this variant (Variation ID: 30852). For these reasons, this variant has been classified as Pathogenic.

Blueprint Genetics
Classification: Likely pathogenic for DOLK-related disorders. Last evaluated: 2022-05-03. Review status: criteria provided, single submitter. Criteria: ACMG Guidelines, 2015. Collection method: clinical testing. Allele origin: germline. Affected: yes. Observed: 2 variant alleles.

OMIM
Classification: Pathogenic for CONGENITAL DISORDER OF GLYCOSYLATION, TYPE Im. Last evaluated: 2011-12-01. Review status: no assertion criteria provided. Collection method: literature only. Allele origin: germline. Not counted in ClinVar's aggregate classification.

Literature cited by the submitters: PubMed 22242004 (cited by Labcorp Genetics (formerly Invitae), Labcorp and OMIM); PubMed 23890587 (cited by Labcorp Genetics (formerly Invitae), Labcorp); PubMed 35279850 (cited by Labcorp Genetics (formerly Invitae), Labcorp).